The following is an entry in ClinVar:

ClinVar aggregate classification (germline): Pathogenic (1 of 4 stars; one submission).

Conditions:
Trimethylaminuria (TMAU). Also called: FISH-ODOR SYNDROME; Fish malodor syndrome; Stale fish syndrome; TMAuria; Primary Trimethylaminuria. Identifiers: MedGen C0342739, MONDO:0011182, OMIM 602079, HP:0003614. Disease mechanism: loss of function.

Submission:

Myriad Genetics, Inc.
Classification: Pathogenic for Trimethylaminuria. Last evaluated: 2024-07-24. Review status: criteria provided, single submitter. Criteria: Myriad Autosomal Dominant, Autosomal Recessive and X-Linked Classification Criteria (2023). Collection method: clinical testing. Allele origin: unknown.
Comment: NM_001002294.2(FMO3):c.1163G>A(W388*) is expected to be pathogenic in the context of primary trimethylaminuria. This variant is predicted to lead to an abnormal or absent protein product due to the creation of a premature termination codon in FMO3, a gene where loss-of-function variants are known to be pathogenic. Please note: this variant was assessed in the context of healthy population screening.

NM_001002294.3(FMO3):c.1163G>A (p.Trp388Ter)

Gene: FMO3 (flavin containing dimethylaniline monoxygenase 3; plus strand). Cytogenetic location: 1q24.3.
Variant type: single nucleotide variant.
Coding change: c.1163G>A on transcript NM_001002294.3 (MANE Select); coding-DNA position 1163, G replaced by A.
Protein change: p.Trp388Ter; replaces tryptophan 388 with a stop codon.
Molecular consequence: nonsense.
Genome position (GRCh38, 1-based): chr1:171,114,342, G>A. VCF-style: chr1-171114342-G-A. GRCh37 (hg19) VCF-style: chr1-171083482-G-A.
Other names: c.1103G>A, p.Trp368Ter (NM_001319173.2); c.974G>A, p.Trp325Ter (NM_001319174.2); c.1163G>A, p.Trp388Ter (NM_006894.6); short protein forms W325*, W368*, W388*.
Identifiers: ClinVar variation 5013356 (VCV005013356.1).